The following is an entry in ClinVar:

NM_020207.7(ERCC6L2):c.236C>T (p.Pro79Leu)

Gene: ERCC6L2 (ERCC excision repair 6 like 2; plus strand). Cytogenetic location: 9q22.32.
Variant type: single nucleotide variant.
Coding change: c.236C>T on transcript NM_020207.7 (MANE Select); coding-DNA position 236, C replaced by T.
Protein change: p.Pro79Leu; replaces proline 79 with leucine.
Molecular consequence: missense variant. On other transcripts: non-coding transcript variant (1).
Genome position (GRCh38, 1-based): chr9:95,881,058, C>T. VCF-style: chr9-95881058-C-T. GRCh37 (hg19) VCF-style: chr9-98643340-C-T.
Other names: c.236C>T, p.Pro79Leu (NM_001010895.4, NM_001375291.1, NM_001375292.1 and 2 more transcripts); short protein forms P79L.
Identifiers: ClinVar variation 3510001 (VCV003510001.1).

ClinVar aggregate classification (germline): Uncertain significance (1 of 4 stars; one submission).

Conditions:
Inborn genetic diseases. Identifiers: MedGen C0950123, MeSH D030342.

gnomAD v4.1: 9 of 1,613,274 alleles (0.00056%); highest among the groups gnomAD compares: African/African-American, 0.0067%; no homozygotes.

Submission:

Ambry Genetics
Classification: Uncertain significance for Inborn genetic diseases. Last evaluated: 2024-11-28. Review status: criteria provided, single submitter. Criteria: Ambry Variant Classification Scheme 2023. Collection method: clinical testing. Allele origin: germline.
Comment: The p.P79L variant (also known as c.236C>T), located in coding exon 2 of the ERCC6L2 gene, results from a C to T substitution at nucleotide position 236. The proline at codon 79 is replaced by leucine, an amino acid with similar properties. This amino acid position is conserved. In addition, this alteration is predicted to be tolerated by in silico analysis. Based on the available evidence, the clinical significance of this variant remains unclear.